The following is an entry in ClinVar:

NM_006662.3(SRCAP):c.5854A>G (p.Thr1952Ala)

Gene: SRCAP (Snf2 related CREBBP activator protein; plus strand). Cytogenetic location: 16p11.2.
Variant type: single nucleotide variant.
Coding change: c.5854A>G on transcript NM_006662.3 (MANE Select); coding-DNA position 5854, A replaced by G.
Protein change: p.Thr1952Ala; replaces threonine 1952 with alanine.
Molecular consequence: missense variant.
Genome position (GRCh38, 1-based): chr16:30,729,161, A>G. VCF-style: chr16-30729161-A-G. GRCh37 (hg19) VCF-style: chr16-30740482-A-G.
Other names: short protein forms T1952A.
Identifiers: ClinVar variation 2576670 (VCV002576670.2), dbSNP rs2506697717, ClinGen allele CA395621475.

ClinVar aggregate classification (germline): Uncertain significance (1 of 4 stars; one submission).

Submission:

GeneDx
Classification: Uncertain significance. Last evaluated: 2024-06-10. Review status: criteria provided, single submitter. Criteria: GeneDx Variant Classification Process June 2021. Collection method: clinical testing. Allele origin: germline.
Comment: Not observed at significant frequency in large population cohorts (gnomAD); In silico analysis supports that this missense variant has a deleterious effect on protein structure/function; Has not been previously published as pathogenic or benign to our knowledge